The following is an entry in ClinVar:

NM_001164508.2(NEB):c.10847G>A (p.Arg3616Gln)

Gene: NEB (nebulin; minus strand). Cytogenetic location: 2q23.3.
Variant type: single nucleotide variant.
Coding change: c.10847G>A on transcript NM_001164508.2 (MANE Select); coding-DNA position 10847, G replaced by A.
Protein change: p.Arg3616Gln; replaces arginine 3616 with glutamine.
Molecular consequence: missense variant.
Genome position (GRCh38, 1-based): chr2:151,619,476, C>T on the plus strand (G>A on the coding strand, the complement: NEB is on the minus strand). VCF-style: chr2-151619476-C-T. GRCh37 (hg19) VCF-style: chr2-152475990-C-T.
Other names: c.10847G>A (NM_001271208.1); c.10847G>A, p.Arg3616Gln (NM_001164507.2, NM_001271208.2); c.10118G>A, p.Arg3373Gln (NM_004543.5); short protein forms R3373Q, R3616Q.
Identifiers: ClinVar variation 1060549 (VCV001060549.9), dbSNP rs774454536, ClinGen allele CA1908941.

ClinVar aggregate classification (germline): Uncertain significance. Review status: criteria provided, multiple submitters, no conflicts (2 of 4 stars). 3 submissions from 3 submitters: Uncertain significance (2). 1 of the submissions does not count toward it. Last evaluated 2022-08-09.

Conditions:
Nemaline myopathy 2 (NEM2). Also called: Nemaline myopathy 2, autosomal recessive. Identifiers: MedGen C1850569, MONDO:0009725, OMIM 256030.

Allele frequency attached by ClinVar (database versions not stated): gnomAD exomes 0.00002 and 0.00003; gnomAD 0.00003; TOPMed 0.00003; ExAC 0.00005.

Submissions (3):

Labcorp Genetics (formerly Invitae), Labcorp
Classification: Uncertain significance for Nemaline myopathy 2. Last evaluated: 2022-08-09. Review status: criteria provided, single submitter. Criteria: Invitae Variant Classification Sherloc (09022015). Collection method: clinical testing. Allele origin: germline.
Comment: This sequence change replaces arginine, which is basic and polar, with glutamine, which is neutral and polar, at codon 3616 of the NEB protein (p.Arg3616Gln). This variant is present in population databases (rs774454536, gnomAD 0.01%). This variant has not been reported in the literature in individuals affected with NEB-related conditions. ClinVar contains an entry for this variant (Variation ID: 1060549). Algorithms developed to predict the effect of missense changes on protein structure and function are either unavailable or do not agree on the potential impact of this missense change (SIFT: "Deleterious"; PolyPhen-2: "Not Available"; Align-GVGD: "Class C0"). Algorithms developed to predict the effect of sequence changes on RNA splicing suggest that this variant may create or strengthen a splice site. In summary, the available evidence is currently insufficient to determine the role of this variant in disease. Therefore, it has been classified as a Variant of Uncertain Significance.

Revvity Omics, Revvity
Classification: Uncertain significance. Last evaluated: 2020-08-05. Review status: criteria provided, single submitter. Criteria: ACMG Guidelines, 2015. Collection method: clinical testing. Allele origin: germline.

Natera, Inc.
Classification: Uncertain significance for Nemaline myopathy type 2. Last evaluated: 2020-04-08. Review status: no assertion criteria provided. Collection method: clinical testing. Allele origin: germline. Not counted in ClinVar's aggregate classification.